The following is an entry in ClinVar:

NM_015846.4(MBD1):c.*33-211T>G

Gene: MBD1 (methyl-CpG binding domain protein 1; minus strand). Cytogenetic location: 18q21.1.
Variant type: single nucleotide variant.
Coding change: c.*33-211T>G on transcript NM_015846.4 (MANE Select); 211 bases into the intron before 33 bases downstream of the stop codon, T replaced by G.
Molecular consequence: intron variant. On other transcripts: 3 prime UTR variant (3), missense variant (1).
Genome position (GRCh38, 1-based): chr18:50,270,029, A>C on the plus strand (T>G on the coding strand, the complement: MBD1 is on the minus strand). VCF-style: chr18-50270029-A-C. GRCh37 (hg19) VCF-style: chr18-47796399-A-C.
Other names: c.1635T>G (NM_001204142.1); c.*33-114T>G (NM_001399899.1, NM_001399914.1, NM_001399898.1 and 3 more transcripts); c.*33-211T>G (NM_001399915.1, NM_001388163.1, NM_001399913.1 and 31 more transcripts); c.1776-218T>G (NM_001399885.1, NM_001399884.1); c.1617-211T>G (NM_001399903.1); c.1641-218T>G (NM_001399910.1); c.1641-211T>G (NM_001388155.1); c.*33-218T>G (NM_001399934.1, NM_001399912.1, NM_001388138.1 and 14 more transcripts); and 79 more; short protein forms I545M.
Identifiers: ClinVar variation 3024799 (VCV003024799.23), dbSNP rs183864846, ClinGen allele CA8962638.

ClinVar aggregate classification (germline): Benign. Review status: criteria provided, single submitter (1 of 4 stars). 2 submissions from 2 submitters: Benign (1). 1 of the submissions does not count toward it. Last evaluated 2024-02-01.

Conditions:
MBD1-related disorder. Also called: MBD1-related condition.

Allele frequency attached by ClinVar (database versions not stated): 1000 Genomes Project 30x 0.00265; 1000 Genomes Project 0.00280; TOPMed 0.00573; ESP Exome Variant Server 0.00576; gnomAD exomes 0.00861; gnomAD 0.00622; ExAC 0.00796.

Submissions (2):

CeGaT Center for Human Genetics Tuebingen
Classification: Benign. Last evaluated: 2024-02-01. Review status: criteria provided, single submitter. Criteria: CeGaT Center For Human Genetics Tuebingen Variant Classification Criteria Version 2. Collection method: clinical testing. Allele origin: germline. Affected: yes. Observed: 1 variant allele.
Comment: MBD1: PP3, BS1, BS2

PreventionGenetics, part of Exact Sciences
Classification: Benign for MBD1-related condition. Last evaluated: 2019-02-20. Review status: no assertion criteria provided. Collection method: clinical testing. Allele origin: germline. Not counted in ClinVar's aggregate classification.
Comment: This variant is classified as benign based on ACMG/AMP sequence variant interpretation guidelines (Richards et al. 2015 PMID: 25741868, with internal and published modifications).